The following is an entry in ClinVar:

NM_001128840.3(CACNA1D):c.5680G>A (p.Asp1894Asn)

Gene: CACNA1D (calcium voltage-gated channel subunit alpha1 D; plus strand). Cytogenetic location: 3p21.1.
Variant type: single nucleotide variant.
Coding change: c.5680G>A on transcript NM_001128840.3 (MANE Select); coding-DNA position 5680, G replaced by A.
Protein change: p.Asp1894Asn; replaces aspartic acid 1894 with asparagine.
Molecular consequence: missense variant.
Genome position (GRCh38, 1-based): chr3:53,805,077, G>A. VCF-style: chr3-53805077-G-A. GRCh37 (hg19) VCF-style: chr3-53839104-G-A.
Other names: c.5740G>A, p.Asp1914Asn (NM_000720.4); c.5608G>A, p.Asp1870Asn (NM_001128839.3); short protein forms D1914N, D1870N, D1894N.
Identifiers: ClinVar variation 4699918 (VCV004699918.1).
Genomic context (GRCh38, chr3:53,805,077, plus strand): 5'-AGAAACATCGACTCTGAGAGGCCCCGAGGCTACCATCATCCCCAAGGATTCTTGGAGGAC[G>A]ATGACTCGCCCGTTTGCTATGATTCACGGAGATCTCCAAGGAGACGCCTACTACCTCCCA-3'
Protein context (NP_001122312.1, residues 1884-1904): YHHPQGFLED[Asp1894Asn]DSPVCYDSRR

ClinVar aggregate classification (germline): Uncertain significance (1 of 4 stars; one submission).

gnomAD v4.1: 17 of 1,614,134 alleles (0.0011%); highest among the groups gnomAD compares: East Asian, 0.0022%; no homozygotes.

Submission:

Labcorp Genetics (formerly Invitae), Labcorp
Classification: Uncertain significance. Last evaluated: 2026-01-14. Review status: criteria provided, single submitter. Criteria: Invitae Variant Classification Sherloc (09022015). Collection method: clinical testing. Allele origin: germline.
Comment: This sequence change replaces aspartic acid, which is acidic and polar, with asparagine, which is neutral and polar, at codon 1914 of the CACNA1D protein (p.Asp1914Asn). This variant is present in population databases (rs199515604, gnomAD 0.006%). This variant has not been reported in the literature in individuals affected with CACNA1D-related conditions. An algorithm developed to predict the effect of missense changes on protein structure and function (PolyPhen-2) suggests that this variant is likely to be tolerated. In summary, the available evidence is currently insufficient to determine the role of this variant in disease. Therefore, it has been classified as a Variant of Uncertain Significance.